The following is an entry in ClinVar:

NM_006019.4(TCIRG1):c.499G>T (p.Val167Phe)

Gene: TCIRG1 (T cell immune regulator 1, ATPase H+ transporting V0 subunit a3; plus strand). Cytogenetic location: 11q13.2.
Variant type: single nucleotide variant.
Coding change: c.499G>T on transcript NM_006019.4 (MANE Select); coding-DNA position 499, G replaced by T.
Protein change: p.Val167Phe; replaces valine 167 with phenylalanine.
Molecular consequence: missense variant. On other transcripts: 5 prime UTR variant (2).
Genome position (GRCh38, 1-based): chr11:68,043,027, G>T. VCF-style: chr11-68043027-G-T. GRCh37 (hg19) VCF-style: chr11-67810494-G-T.
Other names: c.-751G>T (NM_001351059.2); c.-489G>T (NM_006053.4); short protein forms V167F.
Identifiers: ClinVar variation 3671583 (VCV003671583.2).

ClinVar aggregate classification (germline): Uncertain significance (1 of 4 stars; one submission).

Submission:

Labcorp Genetics (formerly Invitae), Labcorp
Classification: Uncertain significance. Last evaluated: 2024-07-01. Review status: criteria provided, single submitter. Criteria: Invitae Variant Classification Sherloc (09022015). Collection method: clinical testing. Allele origin: germline.
Comment: This sequence change replaces valine, which is neutral and non-polar, with phenylalanine, which is neutral and non-polar, at codon 167 of the TCIRG1 protein (p.Val167Phe). This variant is not present in population databases (gnomAD no frequency). This variant has not been reported in the literature in individuals affected with TCIRG1-related conditions. Advanced modeling of protein sequence and biophysical properties (such as structural, functional, and spatial information, amino acid conservation, physicochemical variation, residue mobility, and thermodynamic stability) performed at Invitae indicates that this missense variant is not expected to disrupt TCIRG1 protein function with a negative predictive value of 80%. In summary, the available evidence is currently insufficient to determine the role of this variant in disease. Therefore, it has been classified as a Variant of Uncertain Significance.